The following is an entry in ClinVar:

NM_001042492.3(NF1):c.996_999del (p.Tyr333fs)

Gene: NF1 (neurofibromin 1; plus strand). Cytogenetic location: 17q11.2.
Variant type: Deletion.
Coding change: c.996_999del on transcript NM_001042492.3 (MANE Select); coding-DNA positions 996 to 999, 4 bases deleted (TTAC; older notation c.996_999delTTAC).
Protein change: p.Tyr333fs; shifts the reading frame from tyrosine 333.
Molecular consequence: frameshift variant.
Genome position (GRCh38, 1-based): chr17:31,200,529-31,200,532, TTAC deleted; deleting any 4 consecutive bases within chr17:31,200,526-31,200,532 gives the same sequence; the c. name uses the placement nearest the transcript's 3' end. VCF-style (leftmost placement, unchanged base first): chr17-31200525-GTACT-G. GRCh37 (hg19) VCF-style: chr17-29527543-GTACT-G.
Other names: c.996_999delTTAC (NM_000267.3); c.996_999delTTAC, p.Tyr333Serfs (NM_000267.4); c.996_999del, p.Tyr333fs (NM_001128147.3); short protein forms Y333fs.
Identifiers: ClinVar variation 457882 (VCV000457882.6), dbSNP rs1555610900, ClinGen allele CA658656568.

ClinVar aggregate classification (germline): Pathogenic (1 of 4 stars; one submission).

Conditions:
Neurofibromatosis, type 1 (NF1). Also called: VON RECKLINGHAUSEN DISEASE; NEUROFIBROMATOSIS, TYPE I, SOMATIC; Neurofibromatosis, type I; Peripheral type neurofibromatosis. Identifiers: Orphanet 636, MedGen C0027831, MONDO:0018975, OMIM 162200. Disease mechanism: loss of function.

Submission:

Labcorp Genetics (formerly Invitae), Labcorp
Classification: Pathogenic for Neurofibromatosis, type 1. Last evaluated: 2017-04-03. Review status: criteria provided, single submitter. Criteria: Invitae Variant Classification Sherloc (09022015). Collection method: clinical testing. Allele origin: germline.
Comment: For these reasons, this variant has been classified as Pathogenic. While this particular variant has not been reported in the literature, loss-of-function variants in NF1 are known to be pathogenic (PMID: 10712197, 23913538). This sequence change deletes 4 nucleotides from exon 9 of the NF1 mRNA (c.996_999delTTAC), causing a frameshift at codon 333. This creates a premature translational stop signal (p.Tyr333Serfs*42) and is expected to result in an absent or disrupted protein product.

Literature cited by the submitters: PubMed 10712197; PubMed 23913538.